The following is an entry in ClinVar:

NM_182961.4(SYNE1):c.25119+3A>G

Gene: SYNE1 (spectrin repeat containing nuclear envelope protein 1; minus strand). Cytogenetic location: 6q25.2.
Variant type: single nucleotide variant.
Coding change: c.25119+3A>G on transcript NM_182961.4 (MANE Select); 3 bases into the intron after coding-DNA position 25119, A replaced by G.
Molecular consequence: intron variant.
Genome position (GRCh38, 1-based): chr6:152,143,620, T>C on the plus strand (A>G on the coding strand, the complement: SYNE1 is on the minus strand). VCF-style: chr6-152143620-T-C. GRCh37 (hg19) VCF-style: chr6-152464755-T-C.
Other names: c.24975+3A>G (NM_033071.5); c.1725+3A>G (NM_001347701.2); c.1653+3A>G (NM_001347702.2).
Identifiers: ClinVar variation 382696 (VCV000382696.9), dbSNP rs1057521423, ClinGen allele CA16605038.

ClinVar aggregate classification (germline): Conflicting classifications of pathogenicity. Review status: criteria provided, conflicting classifications (1 of 4 stars). 4 submissions from 4 submitters: Uncertain significance (3); Likely benign (1). Last evaluated 2026-04-13.

Conditions:
Emery-Dreifuss muscular dystrophy 4, autosomal dominant (EDMD4). Also called: EMERY-DREIFUSS MUSCULAR DYSTROPHY 4 WITH VARIABLE FEATURES. Identifiers: Orphanet 261, MedGen C2751807, MONDO:0013071, OMIM 612998.
Autosomal recessive ataxia, Beauce type. Also called: ATAXIA, RECESSIVE, OF BEAUCE; SYNE1-Related Autosomal Recessive Cerebellar Ataxia; Spinocerebellar ataxia, autosomal recessive 8; SYNE1 Deficiency. Identifiers: Orphanet 88644, MedGen C1853116, MONDO:0012549, OMIM 610743.

Allele frequency attached by ClinVar (database versions not stated): gnomAD exomes 0.00001; gnomAD 0.00002; TOPMed 0.00002.
gnomAD v4.1: 16 of 1,614,074 alleles (0.00099%); highest among the groups gnomAD compares: Admixed American, 0.022%; no homozygotes.

Submissions (4):

Women's Health and Genetics/Laboratory Corporation of America, LabCorp
Classification: Uncertain significance. Last evaluated: 2026-04-13. Review status: criteria provided, single submitter. Criteria: LabCorp Variant Classification Summary - May 2015. Collection method: clinical testing. Allele origin: germline.
Comment: Variant summary: SYNE1 c.24975+3A>G alters a conserved nucleotide located close to a canonical splice site and therefore could affect mRNA splicing, leading to a significantly altered protein sequence. Consensus agreement among computation tools predict no significant impact on normal splicing. However, these predictions have yet to be confirmed by functional studies. The variant allele was found at a frequency of 1.2e-05 in 251468 control chromosomes. The available data on variant occurrences in the general population are insufficient to allow any conclusion about variant significance. To our knowledge, no occurrence of c.24975+3A>G in individuals affected with SYNE1-related conditions and no experimental evidence demonstrating its impact on protein function have been reported. ClinVar contains an entry for this variant (Variation ID: 382696). Based on the evidence outlined above, the variant was classified as uncertain significance.

Labcorp Genetics (formerly Invitae), Labcorp
Classification: Uncertain significance for Emery-Dreifuss muscular dystrophy 4, autosomal dominant; Autosomal recessive ataxia, Beauce type. Last evaluated: 2022-09-15. Review status: criteria provided, single submitter. Criteria: Invitae Variant Classification Sherloc (09022015). Collection method: clinical testing. Allele origin: germline.
Comment: This sequence change falls in intron 138 of the SYNE1 gene. It does not directly change the encoded amino acid sequence of the SYNE1 protein. It affects a nucleotide within the consensus splice site. This variant is present in population databases (no rsID available, gnomAD 0.009%). This variant has not been reported in the literature in individuals affected with SYNE1-related conditions. ClinVar contains an entry for this variant (Variation ID: 382696). Variants that disrupt the consensus splice site are a relatively common cause of aberrant splicing (PMID: 17576681, 9536098). Algorithms developed to predict the effect of sequence changes on RNA splicing suggest that this variant is not likely to affect RNA splicing. In summary, the available evidence is currently insufficient to determine the role of this variant in disease. Therefore, it has been classified as a Variant of Uncertain Significance.

Revvity Omics, Revvity
Classification: Uncertain significance. Last evaluated: 2021-10-27. Review status: criteria provided, single submitter. Criteria: ACMG Guidelines, 2015. Collection method: clinical testing. Allele origin: germline.

GeneDx
Classification: Likely benign. Last evaluated: 2016-01-23. Review status: criteria provided, single submitter. Criteria: GeneDx Variant Classification (06012015). Collection method: clinical testing. Allele origin: germline. Affected: yes.
Comment: This variant is considered likely benign or benign based on one or more of the following criteria: it is a conservative change, it occurs at a poorly conserved position in the protein, it is predicted to be benign by multiple in silico algorithms, and/or has population frequency not consistent with disease.

Literature cited by the submitters: PubMed 17576681 (cited by Labcorp Genetics (formerly Invitae), Labcorp); PubMed 9536098 (cited by Labcorp Genetics (formerly Invitae), Labcorp).